The following is an entry in ClinVar:

ClinVar aggregate classification (germline): Uncertain significance (1 of 4 stars; one submission).

Allele frequency attached by ClinVar (database versions not stated): gnomAD exomes below 0.00001; gnomAD 0.00001; TOPMed 0.00001.
gnomAD v4.1: 7 of 1,613,404 alleles (0.00043%); highest among the groups gnomAD compares: Non-Finnish European, 0.00059%; no homozygotes.

Submission:

Labcorp Genetics (formerly Invitae), Labcorp
Classification: Uncertain significance. Last evaluated: 2022-11-01. Review status: criteria provided, single submitter. Criteria: Invitae Variant Classification Sherloc (09022015). Collection method: clinical testing. Allele origin: germline.
Comment: This variant is not present in population databases (gnomAD no frequency). This sequence change replaces arginine, which is basic and polar, with tryptophan, which is neutral and slightly polar, at codon 409 of the ADAMTS13 protein (p.Arg409Trp). In summary, the available evidence is currently insufficient to determine the role of this variant in disease. Therefore, it has been classified as a Variant of Uncertain Significance. Experimental studies have shown that this missense change affects ADAMTS13 function (PMID: 22783805). Advanced modeling of protein sequence and biophysical properties (such as structural, functional, and spatial information, amino acid conservation, physicochemical variation, residue mobility, and thermodynamic stability) performed at Invitae indicates that this missense variant is expected to disrupt ADAMTS13 protein function. ClinVar contains an entry for this variant (Variation ID: 1406149). This missense change has been observed in individual(s) with thrombotic thrombocytopenic purpura (PMID: 22783805).

Literature cited by the submitters: PubMed 22783805.

NM_139027.6(ADAMTS13):c.1225C>T (p.Arg409Trp)

Gene: ADAMTS13 (ADAM metallopeptidase with thrombospondin type 1 motif 13; plus strand). Cytogenetic location: 9q34.2.
Variant type: single nucleotide variant.
Coding change: c.1225C>T on transcript NM_139027.6 (MANE Select); coding-DNA position 1225, C replaced by T.
Protein change: p.Arg409Trp; replaces arginine 409 with tryptophan.
Molecular consequence: missense variant.
Genome position (GRCh38, 1-based): chr9:133,433,510, C>T. VCF-style: chr9-133433510-C-T. GRCh37 (hg19) VCF-style: chr9-136298630-C-T.
Other names: c.1225C>T, p.Arg409Trp (NM_139025.5); c.1132C>T, p.Arg378Trp (NM_139026.6); short protein forms R378W, R409W.
Identifiers: ClinVar variation 1406149 (VCV001406149.6), dbSNP rs959872423, ClinGen allele CA200926992.
Genomic context (GRCh38, chr9:133,433,510, plus strand): 5'-AGCTGGGGTCCCCGAAGTCCTTGCTCCCGCTCCTGCGGAGGAGGTGTGGTCACCAGGAGG[C>T]GGCAGTGCAACAACCCCAGGTACCGCAGGGAGGGTGCTTTTCTGTCAGGGAGTGTGGCCA-3'
Protein context (NP_620596.2, residues 399-419): SCGGGVVTRR[Arg409Trp]QCNNPRPAFG